The following is an entry in ClinVar:

NM_016373.4(WWOX):c.943G>A (p.Gly315Arg)

Gene: WWOX (WW domain containing oxidoreductase; plus strand). Cytogenetic location: 16q23.1.
Variant type: single nucleotide variant.
Coding change: c.943G>A on transcript NM_016373.4 (MANE Select); coding-DNA position 943, G replaced by A.
Protein change: p.Gly315Arg; replaces glycine 315 with arginine.
Molecular consequence: missense variant.
Genome position (GRCh38, 1-based): chr16:78,432,639, G>A. VCF-style: chr16-78432639-G-A. GRCh37 (hg19) VCF-style: chr16-78466536-G-A.
Other names: c.604G>A, p.Gly202Arg (NM_001291997.2); c.943G>A (NM_016373.2); short protein forms G315R, G202R.
Identifiers: ClinVar variation 410091 (VCV000410091.8), dbSNP rs768172617, ClinGen allele CA8183570.

ClinVar aggregate classification (germline): Uncertain significance. Review status: criteria provided, multiple submitters, no conflicts (2 of 4 stars). 2 submissions from 2 submitters: Uncertain significance (2). Last evaluated 2024-12-31.

Conditions:
Autosomal recessive spinocerebellar ataxia 12. Also called: SPINOCEREBELLAR ATAXIA WITH MENTAL RETARDATION AND EPILEPSY. Identifiers: Orphanet 284282, MedGen C3280452, MONDO:0013687, OMIM 614322.
Developmental and epileptic encephalopathy, 1 (DEE1). Also called: Epileptic encephalopathy, early infantile, 1; INFANTILE SPASM SYNDROME, X-LINKED 1; X-linked infantile spasms; West's syndrome; Tonic spasms with clustering, arrest of psychomotor development and hypsarrhythmia on EEG; X-Linked Infantile Spasm Syndrome. Identifiers: MedGen C3463992, MONDO:0010632, OMIM 308350. Disease mechanism: loss of function.
Inborn genetic diseases. Identifiers: MedGen C0950123, MeSH D030342.

Allele frequency attached by ClinVar (database versions not stated): TOPMed 0.00001.
gnomAD v4.1: 43 of 1,614,052 alleles (0.0027%); highest among the groups gnomAD compares: Non-Finnish European, 0.0033%; no homozygotes.

Submissions (2):

Ambry Genetics
Classification: Uncertain significance for Inborn genetic diseases. Last evaluated: 2024-12-31. Review status: criteria provided, single submitter. Criteria: Ambry Variant Classification Scheme 2023. Collection method: clinical testing. Allele origin: germline.

Labcorp Genetics (formerly Invitae), Labcorp
Classification: Uncertain significance for Developmental and epileptic encephalopathy, 1; Autosomal recessive spinocerebellar ataxia 12. Last evaluated: 2023-08-10. Review status: criteria provided, single submitter. Criteria: Invitae Variant Classification Sherloc (09022015). Collection method: clinical testing. Allele origin: germline.
Comment: Advanced modeling of protein sequence and biophysical properties (such as structural, functional, and spatial information, amino acid conservation, physicochemical variation, residue mobility, and thermodynamic stability) performed at Invitae indicates that this missense variant is not expected to disrupt WWOX protein function. This sequence change replaces glycine, which is neutral and non-polar, with arginine, which is basic and polar, at codon 315 of the WWOX protein (p.Gly315Arg). This variant is present in population databases (rs768172617, gnomAD 0.004%). This variant has not been reported in the literature in individuals affected with WWOX-related conditions. ClinVar contains an entry for this variant (Variation ID: 410091). In summary, the available evidence is currently insufficient to determine the role of this variant in disease. Therefore, it has been classified as a Variant of Uncertain Significance.